The following is an entry in ClinVar:

ClinVar aggregate classification (germline): Conflicting classifications of pathogenicity. Review status: criteria provided, conflicting classifications (1 of 4 stars). 3 submissions from 3 submitters: Uncertain significance (2); Likely benign (1). Last evaluated 2026-01-06.

Conditions:
Intellectual disability, X-linked, with or without seizures, ARX-related. Also called: Mental retardation, X-linked 52; INTELLECTUAL DEVELOPMENTAL DISORDER, X-LINKED 29; MENTAL RETARDATION, X-LINKED 29; MENTAL RETARDATION, X-LINKED 32; MENTAL RETARDATION, X-LINKED 33; MENTAL RETARDATION, X-LINKED 38. Identifiers: Orphanet 777, MedGen C0796244, MONDO:0010317, OMIM 300419.
Developmental and epileptic encephalopathy, 1 (DEE1). Also called: X-linked infantile spasms; West's syndrome; Tonic spasms with clustering, arrest of psychomotor development and hypsarrhythmia on EEG; X-Linked Infantile Spasm Syndrome; OHTAHARA SYNDROME, X-LINKED; Epileptic encephalopathy, early infantile, 1. Identifiers: MedGen C3463992, MONDO:0010632, OMIM 308350. Disease mechanism: loss of function.

Submissions (3):

Myriad Genetics, Inc.
Classification: Uncertain significance for Intellectual disability, X-linked, with or without seizures, ARX-related. Last evaluated: 2026-01-06. Review status: criteria provided, single submitter. Criteria: Myriad Autosomal Dominant, Autosomal Recessive and X-Linked Classification Criteria (2023). Collection method: clinical testing. Allele origin: unknown.
Comment: NM_139058.2(ARX):c.1315_1320del6(A439_A440del) is an in-frame deletion classified as a variant of uncertain significance in the context of ARX-related disorders. A439_A440del has not been observed in cases with relevant disease. Relevant functional assessments of this variant are not available in the literature. A439_A440del has not been observed in referenced population frequency databases. In summary, there is insufficient evidence to classify NM_139058.2(ARX):c.1315_1320del6(A439_A440del) as pathogenic or benign. Please note: this variant was assessed in the context of healthy population screening.

Labcorp Genetics (formerly Invitae), Labcorp
Classification: Uncertain significance for Developmental and epileptic encephalopathy, 1; Intellectual disability, X-linked, with or without seizures, ARX-related. Last evaluated: 2025-07-21. Review status: criteria provided, single submitter. Criteria: Invitae Variant Classification Sherloc (09022015). Collection method: clinical testing. Allele origin: germline.
Comment: This variant, c.1315_1320del, results in the deletion of 2 amino acid(s) of the ARX protein (p.Ala439_Ala440del), but otherwise preserves the integrity of the reading frame. This variant is not present in population databases (gnomAD no frequency). This variant has not been reported in the literature in individuals affected with ARX-related conditions. Experimental studies and prediction algorithms are not available or were not evaluated, and the functional significance of this variant is currently unknown. In summary, the available evidence is currently insufficient to determine the role of this variant in disease. Therefore, it has been classified as a Variant of Uncertain Significance.

GeneDx
Classification: Likely benign. Last evaluated: 2015-03-03. Review status: criteria provided, single submitter. Criteria: GeneDx Variant Classification Process June 2021. Collection method: clinical testing. Allele origin: germline. Affected: yes.

NM_139058.3(ARX):c.1300GCC[5] (p.Ala439_Ala440del)

Gene: ARX (aristaless related homeobox; minus strand). Cytogenetic location: Xp21.3.
Variant type: Microsatellite.
Coding change: c.1300GCC[5] on transcript NM_139058.3 (MANE Select); five copies in a row of the 3-base unit GCC starting at c.1300; the reference has seven copies in a row; two copies, 6 bases deleted.
Protein change: p.Ala439_Ala440del.
Molecular consequence: inframe deletion.
Genome position (GRCh38, 1-based): chrX:25,007,239-25,007,244, GGCGGC deleted on the plus strand (GCCGCC on the coding strand, the reverse complement: ARX is on the minus strand); deleting any 6 consecutive bases within chrX:25,007,239-25,007,259 gives the same sequence; the position shown is the placement nearest the transcript's 3' end. VCF-style (leftmost placement, unchanged base first): chrX-25007238-AGGCGGC-A. GRCh37 (hg19) VCF-style: chrX-25025355-AGGCGGC-A.
Identifiers: ClinVar variation 1210879 (VCV001210879.7), dbSNP rs398124508, ClinGen allele CA2420207050.